The following is an entry in ClinVar:

NM_001042492.3(NF1):c.5931G>C (p.Lys1977Asn)

Gene: NF1 (neurofibromin 1; plus strand). Cytogenetic location: 17q11.2.
Variant type: single nucleotide variant.
Coding change: c.5931G>C on transcript NM_001042492.3 (MANE Select); coding-DNA position 5931, G replaced by C.
Protein change: p.Lys1977Asn; replaces lysine 1977 with asparagine.
Molecular consequence: missense variant.
Genome position (GRCh38, 1-based): chr17:31,334,956, G>C. VCF-style: chr17-31334956-G-C. GRCh37 (hg19) VCF-style: chr17-29661974-G-C.
Other names: c.5868G>C, p.Lys1956Asn (NM_000267.4); short protein forms K1956N, K1977N.
Identifiers: ClinVar variation 3237851 (VCV003237851.1), dbSNP rs786201672.
Genomic context (GRCh38, chr17:31,334,956, plus strand): 5'-TCGTTTTTGCAAGCATAATGATGATGCCAAACGACAAAGAGTTACTGCTATTCTTGACAA[G>C]CTGATAACAATGACCATCAATGAAAAACAGATGTACCCATCTATTCAAGCAAAAATATGG-3'
Protein context (NP_001035957.1, residues 1967-1987): KRQRVTAILD[Lys1977Asn]LITMTINEKQ

ClinVar aggregate classification (germline): Uncertain significance (1 of 4 stars; one submission).

Conditions:
Hereditary cancer-predisposing syndrome. Also called: Neoplastic Syndromes, Hereditary; Tumor predisposition; Hereditary neoplastic syndrome; Hereditary Cancer Syndrome. Identifiers: Orphanet 140162, MedGen C0027672, MeSH D009386, MONDO:0015356.
Cardiovascular phenotype. Identifiers: MedGen CN230736.

Submission:

Ambry Genetics
Classification: Uncertain significance for Cardiovascular phenotype; Hereditary cancer-predisposing syndrome. Last evaluated: 2024-03-08. Review status: criteria provided, single submitter. Criteria: Ambry Variant Classification Scheme 2023. Collection method: clinical testing. Allele origin: germline.
Comment: The p.K1956N variant (also known as c.5868G>C), located in coding exon 39 of the NF1 gene, results from a G to C substitution at nucleotide position 5868. The lysine at codon 1956 is replaced by asparagine, an amino acid with similar properties. This amino acid position is conserved. In addition, the in silico prediction for this alteration is inconclusive. Based on the available evidence, the clinical significance of this alteration remains unclear.